The following is an entry in ClinVar:

NM_000264.5(PTCH1):c.446A>C (p.Glu149Ala)

Gene: PTCH1 (patched 1; minus strand). Cytogenetic location: 9q22.32.
Variant type: single nucleotide variant.
Coding change: c.446A>C on transcript NM_000264.5 (MANE Select); coding-DNA position 446, A replaced by C.
Protein change: p.Glu149Ala; replaces glutamic acid 149 with alanine.
Molecular consequence: missense variant. On other transcripts: 5 prime UTR variant (4), non-coding transcript variant (1).
Genome position (GRCh38, 1-based): chr9:95,485,823, T>G on the plus strand (A>C on the coding strand, the complement: PTCH1 is on the minus strand). VCF-style: chr9-95485823-T-G. GRCh37 (hg19) VCF-style: chr9-98248105-T-G.
Other names: c.-8A>C (NM_001083605.3, NM_001083606.3, NM_001083607.3 and 1 more transcripts); c.446A>C, p.Glu149Ala (NM_001354918.2); c.248A>C, p.Glu83Ala (NM_001354919.2, NM_001083602.3); c.443A>C, p.Glu148Ala (NM_001083603.3); short protein forms E149A, E148A, E83A.
Identifiers: ClinVar variation 3635865 (VCV003635865.2).

ClinVar aggregate classification (germline): Uncertain significance (1 of 4 stars; one submission).

Conditions:
Gorlin syndrome. Also called: Nevoid Basal Cell Carcinoma Syndrome; Basal cell nevus syndrome. Identifiers: Orphanet 377, MedGen C0004779, MONDO:0007187.

Submission:

Labcorp Genetics (formerly Invitae), Labcorp
Classification: Uncertain significance for Gorlin syndrome. Last evaluated: 2024-05-15. Review status: criteria provided, single submitter. Criteria: Invitae Variant Classification Sherloc (09022015). Collection method: clinical testing. Allele origin: germline.
Comment: This sequence change replaces glutamic acid, which is acidic and polar, with alanine, which is neutral and non-polar, at codon 149 of the PTCH1 protein (p.Glu149Ala). This variant is not present in population databases (gnomAD no frequency). This variant has not been reported in the literature in individuals affected with PTCH1-related conditions. Advanced modeling of protein sequence and biophysical properties (such as structural, functional, and spatial information, amino acid conservation, physicochemical variation, residue mobility, and thermodynamic stability) performed at Invitae indicates that this missense variant is not expected to disrupt PTCH1 protein function with a negative predictive value of 95%. In summary, the available evidence is currently insufficient to determine the role of this variant in disease. Therefore, it has been classified as a Variant of Uncertain Significance.